The following is an entry in ClinVar:

ClinVar aggregate classification (germline): Uncertain significance (1 of 4 stars; one submission).

Allele frequency attached by ClinVar (database versions not stated): gnomAD exomes below 0.00001; TOPMed 0.00002; gnomAD 0.00004.
gnomAD v4.1: 7 of 1,613,750 alleles (0.00043%); highest among the groups gnomAD compares: Admixed American, 0.012%; no homozygotes.

Submission:

Labcorp Genetics (formerly Invitae), Labcorp
Classification: Uncertain significance. Last evaluated: 2022-05-20. Review status: criteria provided, single submitter. Criteria: Invitae Variant Classification Sherloc (09022015). Collection method: clinical testing. Allele origin: germline.
Comment: In summary, the available evidence is currently insufficient to determine the role of this variant in disease. Therefore, it has been classified as a Variant of Uncertain Significance. Algorithms developed to predict the effect of missense changes on protein structure and function (SIFT, PolyPhen-2, Align-GVGD) all suggest that this variant is likely to be tolerated. This variant has not been reported in the literature in individuals affected with MYO5B-related conditions. This variant is present in population databases (no rsID available, gnomAD 0.006%). This sequence change replaces proline, which is neutral and non-polar, with serine, which is neutral and polar, at codon 51 of the MYO5B protein (p.Pro51Ser).

NM_001080467.3(MYO5B):c.151C>T (p.Pro51Ser)

Gene: MYO5B (myosin VB; minus strand). Cytogenetic location: 18q21.1.
Variant type: single nucleotide variant.
Coding change: c.151C>T on transcript NM_001080467.3 (MANE Select); coding-DNA position 151, C replaced by T.
Protein change: p.Pro51Ser; replaces proline 51 with serine.
Molecular consequence: missense variant.
Genome position (GRCh38, 1-based): chr18:50,040,302, G>A on the plus strand (C>T on the coding strand, the complement: MYO5B is on the minus strand). VCF-style: chr18-50040302-G-A. GRCh37 (hg19) VCF-style: chr18-47566672-G-A.
Other names: short protein forms P51S.
Identifiers: ClinVar variation 1996977 (VCV001996977.4), dbSNP rs1304419707, ClinGen allele CA402510516.